The following is an entry in ClinVar:

NM_001368397.1(FRMPD4):c.27T>A (p.Ile9=)

Gene: FRMPD4 (FERM and PDZ domain containing 4; plus strand). Cytogenetic location: Xp22.2.
Variant type: single nucleotide variant.
Coding change: c.27T>A on transcript NM_001368397.1 (MANE Select); coding-DNA position 27, T replaced by A.
Protein change: p.Ile9=; no amino-acid change (isoleucine 9 retained).
Molecular consequence: synonymous variant. On other transcripts: 5 prime UTR variant (1), intron variant (5).
Genome position (GRCh38, 1-based): chrX:12,138,998, T>A. VCF-style: chrX-12138998-T-A. GRCh37 (hg19) VCF-style: chrX-12157117-T-A.
Other names: c.27T>A, p.Ile9= (NM_001368396.3, NM_014728.3); c.-95T>A (NM_001368401.1); c.152+260980T>A (NM_001368398.3, NM_001368395.3); c.-81+73423T>A (NM_001368402.3); c.-80+73423T>A (NM_001368400.3); c.32+1233T>A (NM_001368399.3).
Identifiers: ClinVar variation 4281590 (VCV004281590.7).

ClinVar aggregate classification (germline): Likely benign (1 of 4 stars; one submission).

gnomAD v4.1: 5 of 1,170,401 alleles (0.00043%); highest among the groups gnomAD compares: Non-Finnish European, 0.00046%; no homozygotes.

Submission:

CeGaT Center for Human Genetics Tuebingen
Classification: Likely benign. Last evaluated: 2025-09-01. Review status: criteria provided, single submitter. Criteria: CeGaT Center For Human Genetics Tuebingen Variant Classification Criteria Version 2. Collection method: clinical testing. Allele origin: germline. Affected: yes. Observed: 1 variant allele.
Comment: FRMPD4: BP4, BP7